The following is an entry in ClinVar:

NM_001042492.3(NF1):c.8081C>A (p.Ser2694Tyr)

Gene: NF1 (neurofibromin 1; plus strand). Cytogenetic location: 17q11.2.
Variant type: single nucleotide variant.
Coding change: c.8081C>A on transcript NM_001042492.3 (MANE Select); coding-DNA position 8081, C replaced by A.
Protein change: p.Ser2694Tyr; replaces serine 2694 with tyrosine.
Molecular consequence: missense variant.
Genome position (GRCh38, 1-based): chr17:31,358,590, C>A. VCF-style: chr17-31358590-C-A. GRCh37 (hg19) VCF-style: chr17-29685608-C-A.
Other names: c.8018C>A, p.Ser2673Tyr (NM_000267.4); short protein forms S2673Y, S2694Y.
Identifiers: ClinVar variation 827397 (VCV000827397.7), dbSNP rs1597868223, ClinGen allele CA399203906.

ClinVar aggregate classification (germline): Uncertain significance. Review status: criteria provided, multiple submitters, no conflicts (2 of 4 stars). 2 submissions from 2 submitters: Uncertain significance (2). Last evaluated 2025-03-12.

Conditions:
Hereditary cancer-predisposing syndrome. Also called: Neoplastic Syndromes, Hereditary; Hereditary Cancer Syndrome; Hereditary neoplastic syndrome; Tumor predisposition. Identifiers: Orphanet 140162, MedGen C0027672, MeSH D009386, MONDO:0015356.
Cardiovascular phenotype. Identifiers: MedGen CN230736.
Neurofibromatosis, type 1 (NF1). Also called: Neurofibromatosis, type I; Peripheral type neurofibromatosis; VON RECKLINGHAUSEN DISEASE; NEUROFIBROMATOSIS, TYPE I, SOMATIC. Identifiers: Orphanet 636, MedGen C0027831, MONDO:0018975, OMIM 162200. Disease mechanism: loss of function.

Submissions (2):

Labcorp Genetics (formerly Invitae), Labcorp
Classification: Uncertain significance for Neurofibromatosis, type 1. Last evaluated: 2025-03-12. Review status: criteria provided, single submitter. Criteria: Invitae Variant Classification Sherloc (09022015). Collection method: clinical testing. Allele origin: germline.
Comment: This sequence change replaces serine, which is neutral and polar, with tyrosine, which is neutral and polar, at codon 2673 of the NF1 protein (p.Ser2673Tyr). This variant is not present in population databases (gnomAD no frequency). This variant has not been reported in the literature in individuals affected with NF1-related conditions. ClinVar contains an entry for this variant (Variation ID: 827397). Invitae Evidence Modeling of protein sequence and biophysical properties (such as structural, functional, and spatial information, amino acid conservation, physicochemical variation, residue mobility, and thermodynamic stability) indicates that this missense variant is not expected to disrupt NF1 protein function with a negative predictive value of 95%. In summary, the available evidence is currently insufficient to determine the role of this variant in disease. Therefore, it has been classified as a Variant of Uncertain Significance.

Ambry Genetics
Classification: Uncertain significance for Cardiovascular phenotype; Hereditary cancer-predisposing syndrome. Last evaluated: 2023-08-22. Review status: criteria provided, single submitter. Criteria: Ambry Variant Classification Scheme 2023. Collection method: clinical testing. Allele origin: germline.
Comment: The p.S2673Y variant (also known as c.8018C>A), located in coding exon 54 of the NF1 gene, results from a C to A substitution at nucleotide position 8018. The serine at codon 2673 is replaced by tyrosine, an amino acid with dissimilar properties. This amino acid position is highly conserved in available vertebrate species. In addition, this alteration is predicted to be tolerated by in silico analysis. Since supporting evidence is limited at this time, the clinical significance of this alteration remains unclear.